The following is an entry in ClinVar:

NM_004863.4(SPTLC2):c.628A>G (p.Ile210Val)

Gene: SPTLC2 (serine palmitoyltransferase long chain base subunit 2; minus strand). Cytogenetic location: 14q24.3.
Variant type: single nucleotide variant.
Coding change: c.628A>G on transcript NM_004863.4 (MANE Select); coding-DNA position 628, A replaced by G.
Protein change: p.Ile210Val; replaces isoleucine 210 with valine.
Molecular consequence: missense variant.
Genome position (GRCh38, 1-based): chr14:77,576,770, T>C on the plus strand (A>G on the coding strand, the complement: SPTLC2 is on the minus strand). VCF-style: chr14-77576770-T-C. GRCh37 (hg19) VCF-style: chr14-78043113-T-C.
Other names: short protein forms I210V.
Identifiers: ClinVar variation 1197995 (VCV001197995.8), dbSNP rs761533653, ClinGen allele CA263840860.
Genomic context (GRCh38, chr14:77,576,770, plus strand): 5'-GCCCCTGACTAAAACAATGTCAAAAACAGCAGCTGGCCAAATACAGCTTTCACTTACCAA[T>C]TTCCTGCCGAGTACTGCACACTCCAGCTCCATACTCCTCAAGGACTTTGGCGGCTGCTTC-3'
Protein context (NP_004854.1, residues 200-220): GAGVCSTRQE[Ile210Val]GNLDKHEELE

ClinVar aggregate classification (germline): Uncertain significance. Review status: criteria provided, multiple submitters, no conflicts (2 of 4 stars). 2 submissions from 2 submitters: Uncertain significance (2). Last evaluated 2025-04-09.

Conditions:
Neuropathy, hereditary sensory and autonomic, type 1C. Also called: HSAN IC; HSN IC. Identifiers: Orphanet 36386, MedGen C3150896, MONDO:0013337, OMIM 613640.

Allele frequency attached by ClinVar (database versions not stated): gnomAD exomes below 0.00001; TOPMed below 0.00001.
gnomAD v4.1: 5 of 1,614,150 alleles (0.00031%); highest among the groups gnomAD compares: Non-Finnish European, 0.00042%; no homozygotes.

Submissions (2):

Labcorp Genetics (formerly Invitae), Labcorp
Classification: Uncertain significance for Neuropathy, hereditary sensory and autonomic, type 1C. Last evaluated: 2025-04-09. Review status: criteria provided, single submitter. Criteria: Invitae Variant Classification Sherloc (09022015). Collection method: clinical testing. Allele origin: germline.
Comment: This sequence change replaces isoleucine, which is neutral and non-polar, with valine, which is neutral and non-polar, at codon 210 of the SPTLC2 protein (p.Ile210Val). This variant is not present in population databases (gnomAD no frequency). This variant has not been reported in the literature in individuals affected with SPTLC2-related conditions. ClinVar contains an entry for this variant (Variation ID: 1197995). Invitae Evidence Modeling of protein sequence and biophysical properties (such as structural, functional, and spatial information, amino acid conservation, physicochemical variation, residue mobility, and thermodynamic stability) indicates that this missense variant is not expected to disrupt SPTLC2 protein function with a negative predictive value of 95%. In summary, the available evidence is currently insufficient to determine the role of this variant in disease. Therefore, it has been classified as a Variant of Uncertain Significance.

GeneDx
Classification: Uncertain significance. Last evaluated: 2019-12-26. Review status: criteria provided, single submitter. Criteria: GeneDx Variant Classification Process June 2021. Collection method: clinical testing. Allele origin: germline. Affected: yes.
Comment: Not observed at a significant frequency in large population cohorts (Lek et al., 2016); In silico analysis, which includes protein predictors and evolutionary conservation, supports that this variant does not alter protein structure/function; Has not been previously published as pathogenic or benign to our knowledge